The following is an entry in ClinVar:

NM_000059.4(BRCA2):c.5728_5733del (p.Asn1910_Asp1911del)

Gene: BRCA2 (BRCA2 DNA repair associated; plus strand). Cytogenetic location: 13q13.1.
Variant type: Deletion.
Coding change: c.5728_5733del on transcript NM_000059.4 (MANE Select); coding-DNA positions 5728 to 5733, 6 bases deleted (AATGAT; older notation c.5728_5733delAATGAT).
Protein change: p.Asn1910_Asp1911del.
Molecular consequence: inframe deletion. On other transcripts: non-coding transcript variant (1), intron variant (2).
Genome position (GRCh38, 1-based): chr13:32,340,083-32,340,088, AATGAT deleted; deleting any 6 consecutive bases within chr13:32,340,080-32,340,088 gives the same sequence; the c. name uses the placement nearest the transcript's 3' end. VCF-style (leftmost placement, unchanged base first): chr13-32340079-AGATAAT-A. GRCh37 (hg19) VCF-style: chr13-32914216-AGATAAT-A.
Other names: c.5728_5733del, p.Asn1910_Asp1911del (NM_001406719.1, NM_001406720.1); c.1910-4475_1910-4470del (NM_001406721.1); c.425-4475_425-4470del (NM_001406722.1).
Identifiers: ClinVar variation 2844673 (VCV002844673.3), dbSNP rs2548531596, ClinGen allele CA2622600864.
Genomic context (GRCh38, chr13:32,340,079, plus strand): 5'-AATTATGGCAGGTTGTTACGAGGCATTGGATGATTCAGAGGATATTCTTCATAACTCTCT[AGATAAT>A]GATGAATGTAGCACGCATTCACATAAGGTTTTTGCTGACATTCAGAGTGAAGAAATTTTA-3'

ClinVar aggregate classification (germline): Uncertain significance (1 of 4 stars; one submission).

Conditions:
Hereditary breast ovarian cancer syndrome. Also called: Hereditary breast and ovarian cancer syndrome (HBOC); Breast and ovarian cancer; BRCA1- and BRCA2-Associated Hereditary Breast and Ovarian Cancer; Hereditary breast and ovarian cancer syndrome; Hereditary breast and ovarian cancer; Hereditary breast and/or ovarian cancer syndrome. Identifiers: Orphanet 145, MedGen C0677776, MeSH D061325, MONDO:0003582. Disease mechanism: loss of function.

Submission:

Labcorp Genetics (formerly Invitae), Labcorp
Classification: Uncertain significance for Hereditary breast ovarian cancer syndrome. Last evaluated: 2023-03-10. Review status: criteria provided, single submitter. Criteria: Invitae Variant Classification Sherloc (09022015). Collection method: clinical testing. Allele origin: germline.
Comment: This variant, c.5728_5733del, results in the deletion of 2 amino acid(s) of the BRCA2 protein (p.Asn1910_Asp1911del), but otherwise preserves the integrity of the reading frame. This variant is not present in population databases (gnomAD no frequency). This variant has not been reported in the literature in individuals affected with BRCA2-related conditions. Experimental studies and prediction algorithms are not available or were not evaluated, and the functional significance of this variant is currently unknown. In summary, the available evidence is currently insufficient to determine the role of this variant in disease. Therefore, it has been classified as a Variant of Uncertain Significance.